The following is an entry in ClinVar:

ClinVar aggregate classification (germline): Conflicting classifications of pathogenicity. Review status: criteria provided, conflicting classifications (1 of 4 stars). 5 submissions from 5 submitters: Uncertain significance (3); Benign (1); Likely benign (1). Last evaluated 2026-01-13.

Conditions:
Generalized pustular psoriasis. Identifiers: Orphanet 247353, MedGen C0343055, MONDO:0100491.
Autoinflammatory syndrome. Identifiers: Orphanet 93665, MedGen C3890737, MONDO:0019751.

Allele frequency attached by ClinVar (database versions not stated): gnomAD exomes 0.00019 and 0.00044; ExAC 0.00054; gnomAD 0.00121 and 0.00124; 1000 Genomes Project 30x 0.00141; ESP Exome Variant Server 0.00146; TOPMed 0.00133; 1000 Genomes Project 0.00140.
gnomAD v4.1: 475 of 1,614,054 alleles (0.029%); highest among the groups gnomAD compares: African/African-American, 0.4%; 1 homozygote.

Submissions (5):

Labcorp Genetics (formerly Invitae), Labcorp
Classification: Likely benign for Generalized pustular psoriasis. Last evaluated: 2026-01-13. Review status: criteria provided, single submitter. Criteria: Invitae Variant Classification Sherloc (09022015). Collection method: clinical testing. Allele origin: germline.

Blueprint Genetics
Classification: Uncertain significance. Last evaluated: 2024-07-15. Review status: criteria provided, single submitter. Criteria: ACMG Guidelines, 2015. Collection method: clinical testing. Allele origin: germline.

CeGaT Center for Human Genetics Tuebingen
Classification: Uncertain significance. Last evaluated: 2017-07-01. Review status: criteria provided, single submitter. Criteria: CeGaT Center For Human Genetics Tuebingen Variant Classification Criteria Version 2. Collection method: clinical testing. Allele origin: germline. Affected: yes. Observed: 1 variant allele.

Illumina Laboratory Services, Illumina
Classification: Benign for Acrodermatitis continua suppurativa of Hallopeau. Last evaluated: 2017-04-27. Review status: criteria provided, single submitter. Criteria: ICSL Variant Classification Criteria 13 December 2019. Collection method: clinical testing. Allele origin: germline.
Comment: This variant was observed as part of a predisposition screen in an ostensibly healthy population. A literature search was performed for the gene, cDNA change, and amino acid change (where applicable). Publications were found based on this search. The evidence from the literature, in combination with allele frequency data from public databases where available, was sufficient to rule this variant out of causing disease. Therefore, this variant is classified as benign.

Genome Diagnostics Laboratory, The Hospital for Sick Children
Classification: Uncertain significance for Autoinflammatory syndrome. Last evaluated: 2016-12-12. Review status: criteria provided, single submitter. Criteria: ACMG Guidelines, 2015. Collection method: clinical testing. Allele origin: germline. Affected: yes.

Literature cited by the submitters: PubMed 25212972 (cited by Illumina Laboratory Services, Illumina); PubMed 26676204 (cited by Illumina Laboratory Services, Illumina).

NM_012275.3(IL36RN):c.169G>A (p.Val57Ile)

Gene: IL36RN (interleukin 36 receptor antagonist; plus strand). Cytogenetic location: 2q14.1.
Variant type: single nucleotide variant.
Coding change: c.169G>A on transcript NM_012275.3 (MANE Select); coding-DNA position 169, G replaced by A.
Protein change: p.Val57Ile; replaces valine 57 with isoleucine.
Molecular consequence: missense variant.
Genome position (GRCh38, 1-based): chr2:113,062,177, G>A. VCF-style: chr2-113062177-G-A. GRCh37 (hg19) VCF-style: chr2-113819754-G-A.
Other names: c.169G>A, p.Val57Ile (NM_173170.1); short protein forms V57I.
Identifiers: ClinVar variation 493284 (VCV000493284.59), dbSNP rs77864207, ClinGen allele CA1838378.